The following is an entry in ClinVar:

ClinVar aggregate classification (germline): Likely benign (1 of 4 stars; one submission).

Allele frequency attached by ClinVar (database versions not stated): 1000 Genomes Project 30x 0.00016; 1000 Genomes Project 0.00020; ESP Exome Variant Server 0.00086; TOPMed 0.00105; gnomAD 0.00106; ExAC 0.00130; gnomAD exomes 0.00162.
gnomAD v4.1: 2,510 of 1,607,024 alleles (0.16%); highest among the groups gnomAD compares: Non-Finnish European, 0.19%; 3 homozygotes.

Submission:

CeGaT Center for Human Genetics Tuebingen
Classification: Likely benign. Last evaluated: 2022-05-01. Review status: criteria provided, single submitter. Criteria: CeGaT Center For Human Genetics Tuebingen Variant Classification Criteria Version 2. Collection method: clinical testing. Allele origin: germline. Affected: yes. Observed: 1 variant allele.
Comment: HELZ2: BP4, BP7

NM_001037335.2(HELZ2):c.3498C>T (p.Ala1166=)

Gene: HELZ2 (helicase with zinc finger 2; minus strand). Cytogenetic location: 20q13.33.
Variant type: single nucleotide variant.
Coding change: c.3498C>T on transcript NM_001037335.2 (MANE Select); coding-DNA position 3498, C replaced by T.
Protein change: p.Ala1166=; no amino-acid change (alanine 1166 retained).
Molecular consequence: synonymous variant.
Genome position (GRCh38, 1-based): chr20:63,565,324, G>A on the plus strand (C>T on the coding strand, the complement: HELZ2 is on the minus strand). VCF-style: chr20-63565324-G-A. GRCh37 (hg19) VCF-style: chr20-62196677-G-A.
Other names: c.1791C>T, p.Ala597= (NM_033405.3).
Identifiers: ClinVar variation 2652555 (VCV002652555.24), dbSNP rs187738428, ClinGen allele CA9962287.